The following is an entry in ClinVar:

ClinVar aggregate classification (germline): Uncertain significance. Review status: criteria provided, multiple submitters, no conflicts (2 of 4 stars). 2 submissions from 2 submitters: Uncertain significance (2). Last evaluated 2025-10-22.

Conditions:
Drash syndrome (DDS). Also called: NEPHROPATHY, WILMS TUMOR, AND GENITAL ANOMALIES; WILMS TUMOR AND PSEUDO- OR TRUE HERMAPHRODITISM. Identifiers: Orphanet 220, MedGen C0950121, MONDO:0008682, OMIM 194080.
Wilms tumor 1 (WT1). Also called: Wilms tumor, somatic. Identifiers: Orphanet 654, MedGen CN033288, MONDO:0008679, OMIM 194070.
11p partial monosomy syndrome (WAGR). Also called: WAGR syndrome; WAGR Complex; CHROMOSOME 11p13 DELETION SYNDROME; WAGR Spectrum Disorder. Identifiers: Orphanet 893, MedGen C0206115, MONDO:0008681, OMIM 194072.
Frasier syndrome. Identifiers: Orphanet 347, MedGen C0950122, MeSH D052159, MONDO:0007635, OMIM 136680.
Inborn genetic diseases. Identifiers: MedGen C0950123, MeSH D030342.

Allele frequency attached by ClinVar (database versions not stated): gnomAD exomes below 0.00001.
gnomAD v4.1: 2 of 1,614,136 alleles (0.00012%); highest among the groups gnomAD compares: Non-Finnish European, 0.000085%; no homozygotes.

Submissions (2):

Ambry Genetics
Classification: Uncertain significance for Inborn genetic diseases. Last evaluated: 2025-10-22. Review status: criteria provided, single submitter. Criteria: Ambry Variant Classification Scheme 2023. Collection method: clinical testing. Allele origin: germline.
Comment: The p.A375D variant (also known as c.1124C>A), located in coding exon 7 of the WT1 gene, results from a C to A substitution at nucleotide position 1124. The alanine at codon 375 is replaced by aspartic acid, an amino acid with dissimilar properties. This amino acid position is conserved. In addition, the in silico prediction for this alteration is inconclusive. Based on the available evidence, the clinical significance of this variant remains unclear.

Labcorp Genetics (formerly Invitae), Labcorp
Classification: Uncertain significance for Wilms tumor 1; Drash syndrome; 11p partial monosomy syndrome; Frasier syndrome. Last evaluated: 2021-11-24. Review status: criteria provided, single submitter. Criteria: Invitae Variant Classification Sherloc (09022015). Collection method: clinical testing. Allele origin: germline.
Comment: This sequence change replaces alanine, which is neutral and non-polar, with aspartic acid, which is acidic and polar, at codon 375 of the WT1 protein (p.Ala375Asp). This variant is not present in population databases (gnomAD no frequency). This variant has not been reported in the literature in individuals affected with WT1-related conditions. Algorithms developed to predict the effect of missense changes on protein structure and function (SIFT, PolyPhen-2, Align-GVGD) all suggest that this variant is likely to be disruptive. In summary, the available evidence is currently insufficient to determine the role of this variant in disease. Therefore, it has been classified as a Variant of Uncertain Significance.

NM_024426.6(WT1):c.1139C>A (p.Ala380Asp)

Gene: WT1 (WT1 transcription factor; minus strand). Cytogenetic location: 11p13.
Variant type: single nucleotide variant.
Coding change: c.1139C>A on transcript NM_024426.6 (MANE Select); coding-DNA position 1139, C replaced by A.
Protein change: p.Ala380Asp; replaces alanine 380 with aspartic acid.
Molecular consequence: missense variant. On other transcripts: 5 prime UTR variant (1), non-coding transcript variant (1).
Genome position (GRCh38, 1-based): chr11:32,396,382, G>T on the plus strand (C>A on the coding strand, the complement: WT1 is on the minus strand). VCF-style: chr11-32396382-G-T. GRCh37 (hg19) VCF-style: chr11-32417928-G-T.
Other names: c.1088C>A, p.Ala363Asp (NM_000378.6, NM_001407045.1, NM_001407048.1 and 1 more transcripts); c.488C>A, p.Ala163Asp (NM_001198551.2); c.437C>A, p.Ala146Asp (NM_001198552.2); c.-50C>A (NM_001367854.1); c.1133C>A, p.Ala378Asp (NM_001407044.1); c.1139C>A, p.Ala380Asp (NM_001407046.1, NM_024424.5); c.1016C>A, p.Ala339Asp (NM_001407047.1); c.965C>A, p.Ala322Asp (NM_001407050.1); and 3 more; short protein forms A146D, A380D, A163D, A363D, A375D, A339D, A358D, A378D.
Identifiers: ClinVar variation 1414179 (VCV001414179.8), dbSNP rs2132941654, ClinGen allele CA379960038.